The following is an entry in ClinVar:

ClinVar aggregate classification (germline): Uncertain significance (1 of 4 stars; one submission).

Conditions:
Hereditary breast ovarian cancer syndrome. Also called: Hereditary breast and ovarian cancer syndrome; Hereditary breast and ovarian cancer syndrome (HBOC); BRCA1- and BRCA2-Associated Hereditary Breast and Ovarian Cancer; Hereditary breast and ovarian cancer; Breast and ovarian cancer; Hereditary breast and/or ovarian cancer syndrome. Identifiers: Orphanet 145, MedGen C0677776, MeSH D061325, MONDO:0003582. Disease mechanism: loss of function.

Submission:

Labcorp Genetics (formerly Invitae), Labcorp
Classification: Uncertain significance for Hereditary breast ovarian cancer syndrome. Last evaluated: 2025-01-08. Review status: criteria provided, single submitter. Criteria: Invitae Variant Classification Sherloc (09022015). Collection method: clinical testing. Allele origin: germline.
Comment: This sequence change replaces glutamic acid, which is acidic and polar, with aspartic acid, which is acidic and polar, at codon 250 of the BRCA1 protein (p.Glu250Asp). This variant is not present in population databases (gnomAD no frequency). This variant has not been reported in the literature in individuals affected with BRCA1-related conditions. Invitae Evidence Modeling of protein sequence and biophysical properties (such as structural, functional, and spatial information, amino acid conservation, physicochemical variation, residue mobility, and thermodynamic stability) indicates that this missense variant is expected to disrupt BRCA1 protein function with a positive predictive value of 80%. In summary, the available evidence is currently insufficient to determine the role of this variant in disease. Therefore, it has been classified as a Variant of Uncertain Significance.

NM_007294.4(BRCA1):c.750G>T (p.Glu250Asp)

Gene: BRCA1 (BRCA1 DNA repair associated; minus strand). Cytogenetic location: 17q21.31.
Variant type: single nucleotide variant.
Coding change: c.750G>T on transcript NM_007294.4 (MANE Select); coding-DNA position 750, G replaced by T.
Protein change: p.Glu250Asp; replaces glutamic acid 250 with aspartic acid.
Molecular consequence: missense variant. On other transcripts: 5 prime UTR variant (2), intron variant (13).
Genome position (GRCh38, 1-based): chr17:43,094,781, C>A on the plus strand (G>T on the coding strand, the complement: BRCA1 is on the minus strand). VCF-style: chr17-43094781-C-A. GRCh37 (hg19) VCF-style: chr17-41246798-C-A.
Other names: c.750G>T, p.Glu250Asp (NM_001407684.1, NM_001407854.1, NM_001407858.1 and 53 more transcripts); c.624G>T, p.Glu208Asp (NM_001407685.1, NM_001407686.1, NM_001407687.1 and 20 more transcripts); c.609G>T, p.Glu203Asp (NM_001407692.1, NM_001407694.1, NM_001407695.1 and 43 more transcripts); c.606G>T, p.Glu202Asp (NM_001407740.1, NM_001407741.1, NM_001407742.1 and 26 more transcripts); c.537G>T, p.Glu179Asp (NM_001407853.1, NM_001407894.1, NM_001407895.1 and 12 more transcripts); c.747G>T, p.Glu249Asp (NM_001407860.1, NM_001407861.1, NM_001407972.1 and 38 more transcripts); c.549G>T, p.Glu183Asp (NM_001407862.1, NM_001408474.1, NM_001408476.1); c.627G>T, p.Glu209Asp (NM_001407863.1, NM_001407919.1, NM_001407937.1 and 34 more transcripts); and 20 more; short protein forms E179D, E182D, E202D, E224D, E249D, E122D, E205D, E123D.
Identifiers: ClinVar variation 3634704 (VCV003634704.2).